The following is an entry in ClinVar:

NM_013336.4(SEC61A1):c.220+6A>T

Gene: SEC61A1 (SEC61 translocon subunit alpha 1; plus strand). Cytogenetic location: 3q21.3.
Variant type: single nucleotide variant.
Coding change: c.220+6A>T on transcript NM_013336.4 (MANE Select); 6 bases into the intron after coding-DNA position 220, A replaced by T.
Molecular consequence: intron variant.
Genome position (GRCh38, 1-based): chr3:128,055,757, A>T. VCF-style: chr3-128055757-A-T. GRCh37 (hg19) VCF-style: chr3-127774600-A-T.
Other names: c.238+6A>T (NM_001400328.1); c.61+6A>T (NM_001400329.1).
Identifiers: ClinVar variation 4712495 (VCV004712495.1).

ClinVar aggregate classification (germline): Uncertain significance (1 of 4 stars; one submission).

Submission:

Labcorp Genetics (formerly Invitae), Labcorp
Classification: Uncertain significance. Last evaluated: 2025-03-05. Review status: criteria provided, single submitter. Criteria: Invitae Variant Classification Sherloc (09022015). Collection method: clinical testing. Allele origin: germline.
Comment: This sequence change falls in intron 4 of the SEC61A1 gene. It does not directly change the encoded amino acid sequence of the SEC61A1 protein. It affects a nucleotide within the consensus splice site. This variant is not present in population databases (gnomAD no frequency). This variant has not been reported in the literature in individuals affected with SEC61A1-related conditions. Variants that disrupt the consensus splice site are a relatively common cause of aberrant splicing (PMID: 17576681, 9536098). Algorithms developed to predict the effect of sequence changes on RNA splicing suggest that this variant is not likely to affect RNA splicing. In summary, the available evidence is currently insufficient to determine the role of this variant in disease. Therefore, it has been classified as a Variant of Uncertain Significance.

Literature cited by the submitters: PubMed 17576681; PubMed 9536098.